The following is an entry in ClinVar:

NM_017739.4(POMGNT1):c.1149T>G (p.Phe383Leu)

Genes: POMGNT1 (protein O-linked mannose N-acetylglucosaminyltransferase 1 (beta 1,2-); minus strand), TSPAN1 (tetraspanin 1; plus strand). Cytogenetic location: 1p34.1.
Variant type: single nucleotide variant.
Coding change: c.1149T>G on transcript NM_017739.4 (MANE Select); coding-DNA position 1149, T replaced by G.
Protein change: p.Phe383Leu; replaces phenylalanine 383 with leucine.
Molecular consequence: missense variant.
Genome position (GRCh38, 1-based): chr1:46,193,177, A>C on the plus strand (T>G on the coding strand, the complement: POMGNT1 is on the minus strand). VCF-style: chr1-46193177-A-C. GRCh37 (hg19) VCF-style: chr1-46658849-A-C.
Other names: c.1149T>G, p.Phe383Leu (NM_001243766.2, NM_001410783.1); c.1083T>G, p.Phe361Leu (NM_001290129.3); c.720T>G, p.Phe240Leu (NM_001290130.2); short protein forms F383L, F361L, F240L.
Identifiers: ClinVar variation 1345810 (VCV001345810.8), dbSNP rs2148191200, ClinGen allele CA340179354.

ClinVar aggregate classification (germline): Uncertain significance (1 of 4 stars; one submission).

Conditions:
Autosomal recessive limb-girdle muscular dystrophy type 2O. Also called: Limb-Girdle Muscular Dystrophy Type 3C; MUSCULAR DYSTROPHY-DYSTROGLYCANOPATHY (LIMB-GIRDLE), TYPE C, 3; MUSCULAR DYSTROPHY-DYSTROGLYCANOPATHY, LIMB-GIRDLE, POMGNT1-RELATED. Identifiers: Orphanet 206564, MedGen C3150417, MONDO:0013161, OMIM 613157.
Muscular dystrophy-dystroglycanopathy (congenital with impaired intellectual development), type B, 3. Also called: MUSCULAR DYSTROPHY, CONGENITAL, POMGNT1-RELATED; Muscular dystrophy-dystroglycanopathy (congenital with intellectual disability), type B3. Identifiers: MedGen C3150412, MONDO:0013155, OMIM 613151.

Submission:

Labcorp Genetics (formerly Invitae), Labcorp
Classification: Uncertain significance for Autosomal recessive limb-girdle muscular dystrophy type 2O; Muscular dystrophy-dystroglycanopathy (congenital with impaired intellectual development), type B, 3. Last evaluated: 2021-06-11. Review status: criteria provided, single submitter. Criteria: Invitae Variant Classification Sherloc (09022015). Collection method: clinical testing. Allele origin: germline.
Comment: In summary, the available evidence is currently insufficient to determine the role of this variant in disease. Therefore, it has been classified as a Variant of Uncertain Significance. Advanced modeling of protein sequence and biophysical properties (such as structural, functional, and spatial information, amino acid conservation, physicochemical variation, residue mobility, and thermodynamic stability) performed at Invitae indicates that this missense variant is not expected to disrupt POMGNT1 protein function. This variant has not been reported in the literature in individuals with POMGNT1-related conditions. This variant is not present in population databases (ExAC no frequency). This sequence change replaces phenylalanine with leucine at codon 383 of the POMGNT1 protein (p.Phe383Leu). The phenylalanine residue is highly conserved and there is a small physicochemical difference between phenylalanine and leucine.